The following is an entry in ClinVar:

ClinVar aggregate classification (germline): Uncertain significance (1 of 4 stars; one submission).

Conditions:
Inborn genetic diseases. Identifiers: MedGen C0950123, MeSH D030342.

gnomAD v4.1: 1 of 1,614,092 alleles (0.000062%); highest among the groups gnomAD compares: Non-Finnish European, 0.000085%; no homozygotes.

Submission:

Ambry Genetics
Classification: Uncertain significance for Inborn genetic diseases. Last evaluated: 2025-05-21. Review status: criteria provided, single submitter. Criteria: Ambry Variant Classification Scheme 2023. Collection method: clinical testing. Allele origin: germline.
Comment: The p.G598V variant (also known as c.1793G>T), located in coding exon 8 of the MECOM gene, results from a G to T substitution at nucleotide position 1793. The glycine at codon 598 is replaced by valine, an amino acid with dissimilar properties. This amino acid position is conserved. In addition, the in silico prediction for this alteration is inconclusive. Based on the available evidence, the clinical significance of this variant remains unclear.

NM_004991.4(MECOM):c.1793G>T (p.Gly598Val)

Gene: MECOM (MDS1 and EVI1 complex locus; minus strand). Cytogenetic location: 3q26.2.
Variant type: single nucleotide variant.
Coding change: c.1793G>T on transcript NM_004991.4 (MANE Select); coding-DNA position 1793, G replaced by T.
Protein change: p.Gly598Val; replaces glycine 598 with valine.
Molecular consequence: missense variant. On other transcripts: intron variant (2).
Genome position (GRCh38, 1-based): chr3:169,116,079, C>A on the plus strand (G>T on the coding strand, the complement: MECOM is on the minus strand). VCF-style: chr3-169116079-C-A. GRCh37 (hg19) VCF-style: chr3-168833867-C-A.
Other names: c.1424G>T, p.Gly475Val (NM_001105077.4); c.1229G>T, p.Gly410Val (NM_001105078.4, NM_001164000.2, NM_001205194.2 and 4 more transcripts); c.1232G>T, p.Gly411Val (NM_001163999.2, NM_001366467.2, NM_001366468.2 and 1 more transcripts); c.1793G>T, p.Gly598Val (NM_001366466.2); c.1133-312G>T (NM_001366473.2); c.569-312G>T (NM_001366474.2); short protein forms G411V, G475V, G598V, G410V.
Identifiers: ClinVar variation 4053278 (VCV004053278.1).
Genomic context (GRCh38, chr3:169,116,079, plus strand): 5'-ATTTTACCATTTTCTTTAAATTTCTCTTTATCACTTTCAATGTCACTTTCCAGATCAGAG[C>A]CCGAGGTTGTTTCCAGGTCACTGCCACTTGGTGTACTGACATCATCAAGGTCACTACTCT-3'
Protein context (NP_004982.2, residues 588-608): PSGSDLETTS[Gly598Val]SDLESDIESD